The following is an entry in ClinVar:

NC_000011.9:g.(?_4112492)_(4113048_?)dup

Gene: STIM1 (stromal interaction molecule 1; plus strand). Cytogenetic location: 11p15.4.
Variant type: Duplication.
Identifiers: ClinVar variation 1054291 (VCV001054291.1).

ClinVar aggregate classification (germline): Uncertain significance (1 of 4 stars; one submission).

Conditions:
Myopathy with tubular aggregates (TAM). Also called: Tubular Aggregate Myopathy. Identifiers: Orphanet 2593, MedGen C0410207, MONDO:0008051.
Stormorken syndrome (STRMK). Also called: THROMBOCYTOPATHY, ASPLENIA, AND MIOSIS. Identifiers: Orphanet 3204, MedGen C1861451, MONDO:0008497, OMIM 185070.
Combined immunodeficiency due to STIM1 deficiency. Also called: IMMUNODEFICIENCY 10; STIM1 DEFICIENCY. Identifiers: Orphanet 169090, Orphanet 317430, MedGen C2748557, MONDO:0013008, OMIM 612783.

Submission:

Labcorp Genetics (formerly Invitae), Labcorp
Classification: Uncertain significance for Myopathy with tubular aggregates; Combined immunodeficiency due to STIM1 deficiency; Stormorken syndrome. Last evaluated: 2020-06-26. Review status: criteria provided, single submitter. Criteria: Invitae Variant Classification Sherloc (09022015). Collection method: clinical testing. Allele origin: germline.
Comment: This variant results in a copy number gain of the genomic region encompassing exon(s) 12 of the STIM1 gene. The 5' boundary is likely confined to intron 11. The 3' end of this event is unknown as it extends beyond the assayed region for this gene and therefore may encompass additional genes. As the precise location of this event is unknown, it may be in tandem or it may be located elsewhere in the genome. This variant has not been reported in the literature in individuals with STIM1-related conditions. Experimental studies and prediction algorithms are not available or were not evaluated, and the functional significance of this variant is currently unknown. In summary, the available evidence is currently insufficient to determine the role of this variant in disease. Therefore, it has been classified as a Variant of Uncertain Significance.